The following is an entry in ClinVar:

ClinVar aggregate classification (germline): Uncertain significance (1 of 4 stars; one submission).

Conditions:
Congenital myopathy with fiber type disproportion. Also called: Congenital fiber-type disproportion; Congenital fiber-type disproportion myopathy. Identifiers: Orphanet 2020, MedGen C0546264, MONDO:0009711. Inheritance: all.
Congenital myopathy 4B, autosomal recessive. Also called: Nemaline myopathy 1, autosomal dominant or recessive. Identifiers: Orphanet 171433, Orphanet 171439, Orphanet 171881, MedGen C5829889, MONDO:0012239, OMIM 609284.

Submission:

Labcorp Genetics (formerly Invitae), Labcorp
Classification: Uncertain significance for Congenital myopathy with fiber type disproportion; Congenital myopathy 4B, autosomal recessive. Last evaluated: 2022-07-18. Review status: criteria provided, single submitter. Criteria: Invitae Variant Classification Sherloc (09022015). Collection method: clinical testing. Allele origin: germline.
Comment: This variant has not been reported in the literature in individuals affected with TPM3-related conditions. This variant is not present in population databases (gnomAD no frequency). This sequence change replaces lysine, which is basic and polar, with glutamic acid, which is acidic and polar, at codon 7 of the TPM3 protein (p.Lys7Glu). In summary, the available evidence is currently insufficient to determine the role of this variant in disease. Therefore, it has been classified as a Variant of Uncertain Significance. Algorithms developed to predict the effect of missense changes on protein structure and function (SIFT, PolyPhen-2, Align-GVGD) all suggest that this variant is likely to be disruptive.

NM_152263.4(TPM3):c.19A>G (p.Lys7Glu)

Gene: TPM3 (tropomyosin 3; minus strand). Cytogenetic location: 1q21.3.
Variant type: single nucleotide variant.
Coding change: c.19A>G on transcript NM_152263.4 (MANE Select); coding-DNA position 19, A replaced by G.
Protein change: p.Lys7Glu; replaces lysine 7 with glutamic acid.
Molecular consequence: missense variant. On other transcripts: non-coding transcript variant (1).
Genome position (GRCh38, 1-based): chr1:154,192,000, T>C on the plus strand (A>G on the coding strand, the complement: TPM3 is on the minus strand). VCF-style: chr1-154192000-T-C. GRCh37 (hg19) VCF-style: chr1-154164476-T-C.
Other names: c.19A>G, p.Lys7Glu (NM_001364679.2, NM_001364680.2, NM_001364681.2 and 1 more transcripts); short protein forms K7E.
Identifiers: ClinVar variation 2178911 (VCV002178911.4), dbSNP rs2526061024, ClinGen allele CA342587572.